The following is an entry in ClinVar:

ClinVar aggregate classification (germline): Uncertain significance (1 of 4 stars; one submission).

Conditions:
Epidermolysis bullosa simplex with nail dystrophy (EBS5D). Identifiers: MedGen C4225309, MONDO:0014661, OMIM 616487.
Epidermolysis bullosa simplex 5C, with pyloric atresia (EBS5C). Also called: PLEC-Related Epidermolysis Bullosa with Pyloric Atresia; Epidermolysis bullosa simplex with pyloric atresia; PLEC1-Related Epidermolysis Bullosa with Pyloric Atresia. Identifiers: Orphanet 158684, MedGen C2677349, MONDO:0012807, OMIM 612138.
Autosomal recessive limb-girdle muscular dystrophy type 2Q (LGMDR17). Also called: MUSCULAR DYSTROPHY, LIMB-GIRDLE, AUTOSOMAL RECESSIVE 17. Identifiers: Orphanet 254361, MedGen C3150989, MONDO:0013390, OMIM 613723.
Epidermolysis bullosa simplex, Ogna type (EBS5A). Also called: Pidermolysis bullosa simplex 5A, Ogna type; EPIDERMOLYSIS BULLOSA SIMPLEX 5A, OGNA TYPE. Identifiers: Orphanet 79401, MedGen C0432317, MONDO:0007555, OMIM 131950.
Epidermolysis bullosa simplex 5B, with muscular dystrophy (EBS5B). Also called: EPIDERMOLYSIS BULLOSA SIMPLEX AND LIMB-GIRDLE MUSCULAR DYSTROPHY; Epidermolysis bullosa simplex with muscular dystrophy. Identifiers: Orphanet 257, MedGen C2931072, MONDO:0009181, OMIM 226670.

gnomAD v4.1: 1 of 1,607,578 alleles (0.000062%); highest among the groups gnomAD compares: Non-Finnish European, 0.000085%; no homozygotes.

Submission:

Labcorp Genetics (formerly Invitae), Labcorp
Classification: Uncertain significance for Autosomal recessive limb-girdle muscular dystrophy type 2Q; Epidermolysis bullosa simplex, Ogna type; Epidermolysis bullosa simplex with nail dystrophy; Epidermolysis bullosa simplex 5C, with pyloric atresia; Epidermolysis bullosa simplex 5B, with muscular dystrophy. Last evaluated: 2025-01-27. Review status: criteria provided, single submitter. Criteria: Invitae Variant Classification Sherloc (09022015). Collection method: clinical testing. Allele origin: germline.
Comment: This sequence change replaces isoleucine, which is neutral and non-polar, with valine, which is neutral and non-polar, at codon 2536 of the PLEC protein (p.Ile2536Val). This variant is not present in population databases (gnomAD no frequency). This variant has not been reported in the literature in individuals affected with PLEC-related conditions. ClinVar contains an entry for this variant (Variation ID: 2935299). Invitae Evidence Modeling of protein sequence and biophysical properties (such as structural, functional, and spatial information, amino acid conservation, physicochemical variation, residue mobility, and thermodynamic stability) indicates that this missense variant is not expected to disrupt PLEC protein function with a negative predictive value of 80%. In summary, the available evidence is currently insufficient to determine the role of this variant in disease. Therefore, it has been classified as a Variant of Uncertain Significance.

NM_201384.3(PLEC):c.7525A>G (p.Ile2509Val)

Gene: PLEC (plectin; minus strand). Cytogenetic location: 8q24.3.
Variant type: single nucleotide variant.
Coding change: c.7525A>G on transcript NM_201384.3 (MANE Select); coding-DNA position 7525, A replaced by G.
Protein change: p.Ile2509Val; replaces isoleucine 2509 with valine.
Molecular consequence: missense variant.
Genome position (GRCh38, 1-based): chr8:143,922,296, T>C on the plus strand (A>G on the coding strand, the complement: PLEC is on the minus strand). VCF-style: chr8-143922296-T-C. GRCh37 (hg19) VCF-style: chr8-144996464-T-C.
Other names: c.7606A>G, p.Ile2536Val (NM_000445.5); c.4225A>G, p.Ile1409Val (NM_001410941.1); c.7483A>G, p.Ile2495Val (NM_201378.4); c.7459A>G, p.Ile2487Val (NM_201379.3); c.7936A>G, p.Ile2646Val (NM_201380.4); c.7429A>G, p.Ile2477Val (NM_201381.3); c.7525A>G, p.Ile2509Val (NM_201382.4); c.7537A>G, p.Ile2513Val (NM_201383.3); short protein forms I2477V, I2495V, I1409V, I2646V, I2487V, I2536V, I2509V, I2513V.
Identifiers: ClinVar variation 2935299 (VCV002935299.3), dbSNP rs1823084730, ClinGen allele CA372524708.
Genomic context (GRCh38, chr8:143,922,296, plus strand): 5'-GCTGTGCCTTGGCCACCTCGTCCTGGAAGAGCTGCTCCAGCTTGGCCTTCTCCTGCTCGA[T>C]GAAGCGCTCCCGCTGTAGCAGGCTGTCCTTTTCAGAGAGGAAGCTTTGCTGCAGGGCCTG-3'
Protein context (NP_958786.1, residues 2499-2519): KDSLLQRERF[Ile2509Val]EQEKAKLEQL